The following is an entry in ClinVar:

ClinVar aggregate classification (germline): Uncertain significance (1 of 4 stars; one submission).

Conditions:
Intellectual developmental disorder, X-linked, syndromic, Raymond type. Also called: Syndromic X-linked intellectual disability Raymond type. Identifiers: MedGen C3275406, MONDO:0010427, OMIM 300799.

Allele frequency attached by ClinVar (database versions not stated): gnomAD 0.00002; TOPMed 0.00002; gnomAD exomes 0.00001.
gnomAD v4.1: 16 of 1,208,555 alleles (0.0013%); highest among the groups gnomAD compares: Non-Finnish European, 0.0018%; no homozygotes.

Submission:

Labcorp Genetics (formerly Invitae), Labcorp
Classification: Uncertain significance for Intellectual developmental disorder, X-linked, syndromic, Raymond type. Last evaluated: 2025-03-16. Review status: criteria provided, single submitter. Criteria: Invitae Variant Classification Sherloc (09022015). Collection method: clinical testing. Allele origin: germline.
Comment: This sequence change replaces alanine, which is neutral and non-polar, with valine, which is neutral and non-polar, at codon 115 of the ZDHHC9 protein (p.Ala115Val). The frequency data for this variant in the population databases is considered unreliable, as metrics indicate poor data quality at this position in the gnomAD database. This variant has not been reported in the literature in individuals affected with ZDHHC9-related conditions. ClinVar contains an entry for this variant (Variation ID: 1409978). An algorithm developed to predict the effect of missense changes on protein structure and function (PolyPhen-2) suggests that this variant is likely to be tolerated. In summary, the available evidence is currently insufficient to determine the role of this variant in disease. Therefore, it has been classified as a Variant of Uncertain Significance.

NM_016032.4(ZDHHC9):c.344C>T (p.Ala115Val)

Gene: ZDHHC9 (zDHHC palmitoyltransferase 9; minus strand). Cytogenetic location: Xq26.1.
Variant type: single nucleotide variant.
Coding change: c.344C>T on transcript NM_016032.4 (MANE Select); coding-DNA position 344, C replaced by T.
Protein change: p.Ala115Val; replaces alanine 115 with valine.
Molecular consequence: missense variant.
Genome position (GRCh38, 1-based): chrX:129,823,822, G>A on the plus strand (C>T on the coding strand, the complement: ZDHHC9 is on the minus strand). VCF-style: chrX-129823822-G-A. GRCh37 (hg19) VCF-style: chrX-128957798-G-A.
Other names: c.344C>T, p.Ala115Val (NM_001008222.3); short protein forms A115V.
Identifiers: ClinVar variation 1409978 (VCV001409978.8), dbSNP rs1413588337, ClinGen allele CA414591154.